The following is an entry in ClinVar:

NM_006218.4(PIK3CA):c.1235G>T (p.Arg412Leu)

Gene: PIK3CA (phosphatidylinositol-4,5-bisphosphate 3-kinase catalytic subunit alpha; plus strand). Cytogenetic location: 3q26.32.
Variant type: single nucleotide variant.
Coding change: c.1235G>T on transcript NM_006218.4 (MANE Select); coding-DNA position 1235, G replaced by T.
Protein change: p.Arg412Leu; replaces arginine 412 with leucine.
Molecular consequence: missense variant.
Genome position (GRCh38, 1-based): chr3:179,209,684, G>T. VCF-style: chr3-179209684-G-T. GRCh37 (hg19) VCF-style: chr3-178927472-G-T.
Other names: short protein forms R412L.
Identifiers: ClinVar variation 1350446 (VCV001350446.6), dbSNP rs2108399407, ClinGen allele CA355261488.

ClinVar aggregate classification (germline): Uncertain significance (1 of 4 stars; one submission).

Conditions:
Cowden syndrome (CS). Also called: Cowden's disease; Cowden's syndrome; Cowden disease. Identifiers: Orphanet 201, MedGen C0018553, MONDO:0016063. Disease mechanism: gain of function.

Submission:

Labcorp Genetics (formerly Invitae), Labcorp
Classification: Uncertain significance for Cowden syndrome. Last evaluated: 2022-07-18. Review status: criteria provided, single submitter. Criteria: Invitae Variant Classification Sherloc (09022015). Collection method: clinical testing. Allele origin: germline.
Comment: This sequence change replaces arginine, which is basic and polar, with leucine, which is neutral and non-polar, at codon 412 of the PIK3CA protein (p.Arg412Leu). This variant is not present in population databases (gnomAD no frequency). This variant has not been reported in the literature in individuals affected with PIK3CA-related conditions. ClinVar contains an entry for this variant (Variation ID: 1350446). Algorithms developed to predict the effect of missense changes on protein structure and function are either unavailable or do not agree on the potential impact of this missense change (SIFT: "Deleterious"; PolyPhen-2: "Probably Damaging"; Align-GVGD: "Class C0"). In summary, the available evidence is currently insufficient to determine the role of this variant in disease. Therefore, it has been classified as a Variant of Uncertain Significance.